The following is an entry in ClinVar:

ClinVar aggregate classification (germline): Uncertain significance (1 of 4 stars; one submission).

Submission:

Women's Health and Genetics/Laboratory Corporation of America, LabCorp
Classification: Uncertain significance. Last evaluated: 2025-02-17. Review status: criteria provided, single submitter. Criteria: LabCorp Variant Classification Summary - May 2015. Collection method: clinical testing. Allele origin: germline.
Comment: Variant summary: The variant involves the duplication of exons 303-310 in the TTN gene. A presumed nomenclature of c.(91285+1_91286-1)_(99673+1_99674-1)dup has been designated for the purposes of this classification. It is assumed to be a tandem duplication in direct orientation (PMIDs: 25640679, 30054569). This Copy Number Variant (CNV) is predicted to result in an in-frame duplication within this gene. Similar duplication(s) were absent in gnomAD, however the frequency of such duplications in the general population could not be confidently determined as the technology used for large population databases (ExAC, gnomAD, ESP, 1000G) cannot detect some variants of this type in TTN. The available data on variant occurrences in the general population are insufficient to allow any conclusion about variant significance. To our knowledge, no occurrence of similar duplication(s) in individuals affected with TTN-related conditions and no experimental evidence demonstrating its impact on protein function have been reported. No submitters have cited clinical-significance assessments for this variant to ClinVar. Based on the evidence outlined above, the variant was classified as uncertain significance.

NC_000002.11:g.(179392476_179393000)_(179403567_179403672)dup

Gene: TTN (titin; minus strand). Cytogenetic location: 2q31.2.
Variant type: Duplication.
Identifiers: ClinVar variation 3769034 (VCV003769034.1).